The following is an entry in ClinVar:

NM_020812.4(DOCK6):c.994C>A (p.Pro332Thr)

Gene: DOCK6 (dedicator of cytokinesis 6; minus strand). Cytogenetic location: 19p13.2.
Variant type: single nucleotide variant.
Coding change: c.994C>A on transcript NM_020812.4 (MANE Select); coding-DNA position 994, C replaced by A.
Protein change: p.Pro332Thr; replaces proline 332 with threonine.
Molecular consequence: missense variant.
Genome position (GRCh38, 1-based): chr19:11,245,592, G>T on the plus strand (C>A on the coding strand, the complement: DOCK6 is on the minus strand). VCF-style: chr19-11245592-G-T. GRCh37 (hg19) VCF-style: chr19-11356268-G-T.
Other names: c.994C>A, p.Pro332Thr (NM_001367830.1); c.994C>A (NM_020812.2); short protein forms P332T.
Identifiers: ClinVar variation 2173824 (VCV002173824.2), dbSNP rs762705247, ClinGen allele CA9208281.

ClinVar aggregate classification (germline): Uncertain significance. Review status: criteria provided, multiple submitters, no conflicts (2 of 4 stars). 2 submissions from 2 submitters: Uncertain significance (2). Last evaluated 2025-02-10.

Conditions:
Inborn genetic diseases. Identifiers: MedGen C0950123, MeSH D030342.

gnomAD v4.1: 14 of 1,567,432 alleles (0.00089%); highest among the groups gnomAD compares: Admixed American, 0.025%; no homozygotes.

Submissions (2):

Ambry Genetics
Classification: Uncertain significance for Inborn genetic diseases. Last evaluated: 2025-02-10. Review status: criteria provided, single submitter. Criteria: Ambry Variant Classification Scheme 2023. Collection method: clinical testing. Allele origin: germline.

Labcorp Genetics (formerly Invitae), Labcorp
Classification: Uncertain significance. Last evaluated: 2022-04-15. Review status: criteria provided, single submitter. Criteria: Invitae Variant Classification Sherloc (09022015). Collection method: clinical testing. Allele origin: germline.
Comment: This sequence change replaces proline, which is neutral and non-polar, with threonine, which is neutral and polar, at codon 332 of the DOCK6 protein (p.Pro332Thr). This variant is present in population databases (rs762705247, gnomAD 0.01%). This variant has not been reported in the literature in individuals affected with DOCK6-related conditions. Algorithms developed to predict the effect of missense changes on protein structure and function are either unavailable or do not agree on the potential impact of this missense change (SIFT: "Deleterious"; PolyPhen-2: "Possibly Damaging"; Align-GVGD: "Class C0"). In summary, the available evidence is currently insufficient to determine the role of this variant in disease. Therefore, it has been classified as a Variant of Uncertain Significance.